The following is an entry in ClinVar:

NM_001127178.3(PIGG):c.1614+9G>A

Gene: PIGG (phosphatidylinositol glycan anchor biosynthesis class G (EMM blood group); plus strand). Cytogenetic location: 4p16.3.
Variant type: single nucleotide variant.
Coding change: c.1614+9G>A on transcript NM_001127178.3 (MANE Select); 9 bases into the intron after coding-DNA position 1614, G replaced by A.
Molecular consequence: intron variant. On other transcripts: synonymous variant (1), 3 prime UTR variant (2), non-coding transcript variant (1).
Genome position (GRCh38, 1-based): chr4:521,950, G>A. VCF-style: chr4-521950-G-A. GRCh37 (hg19) VCF-style: chr4-515739-G-A.
Other names: c.1356G>A (NM_001289053.1); c.1356G>A, p.Thr452= (NM_001289053.2); c.*185G>A (NM_001289055.2); c.*238G>A (NM_001289057.2); c.516+9G>A (NM_001345994.2); c.1347+9G>A (NM_001345986.2, NM_001289051.2); c.1323+9G>A (NM_001345987.2); c.81+9G>A (NM_001345991.2, NM_001345990.2); and 4 more.
Identifiers: ClinVar variation 476322 (VCV000476322.21), dbSNP rs188737876, ClinGen allele CA2793368.

ClinVar aggregate classification (germline): Benign/Likely benign. Review status: criteria provided, multiple submitters, no conflicts (2 of 4 stars). 5 submissions from 5 submitters: Benign (2); Likely benign (3). Last evaluated 2026-02-02.

Conditions:
Intellectual disability, autosomal recessive 53 (NEDHSCA). Also called: GLYCOSYLPHOSPHATIDYLINOSITOL BIOSYNTHESIS DEFECT 13; Mental retardation, autosomal recessive 53; NEURODEVELOPMENTAL DISORDER WITH OR WITHOUT HYPOTONIA, SEIZURES, AND CEREBELLAR ATROPHY. Identifiers: Orphanet 488635, MedGen C4310794, MONDO:0014832, OMIM 616917.
PIGG-related disorder. Also called: PIGG-related condition.

Allele frequency attached by ClinVar (database versions not stated): 1000 Genomes Project 30x 0.00062; 1000 Genomes Project 0.00080; ESP Exome Variant Server 0.00123; TOPMed 0.00131.
gnomAD v4.1: 349 of 1,613,846 alleles (0.022%); highest among the groups gnomAD compares: African/African-American, 0.37%; 3 homozygotes.

Submissions (5):

Labcorp Genetics (formerly Invitae), Labcorp
Classification: Benign for Intellectual disability, autosomal recessive 53. Last evaluated: 2026-02-02. Review status: criteria provided, single submitter. Criteria: Invitae Variant Classification Sherloc (09022015). Collection method: clinical testing. Allele origin: germline.

PreventionGenetics, part of Exact Sciences
Classification: Likely benign for PIGG-related condition. Last evaluated: 2025-10-06. Review status: criteria provided, single submitter. Criteria: ACMG Guidelines, 2015. Collection method: clinical testing. Allele origin: germline.
Comment: This variant is classified as likely benign based on ACMG/AMP sequence variant interpretation guidelines (Richards et al. 2015 PMID: 25741868, with internal and published modifications).

CeGaT Center for Human Genetics Tuebingen
Classification: Likely benign. Last evaluated: 2025-10-01. Review status: criteria provided, single submitter. Criteria: CeGaT Center For Human Genetics Tuebingen Variant Classification Criteria Version 2. Collection method: clinical testing. Allele origin: germline. Affected: yes. Observed: 1 variant allele.
Comment: PIGG: BP4, BP7

Blueprint Genetics
Classification: Likely benign. Last evaluated: 2024-05-02. Review status: criteria provided, single submitter. Criteria: ACMG Guidelines, 2015. Collection method: clinical testing. Allele origin: germline.

Breakthrough Genomics
Classification: Benign. Review status: criteria provided, single submitter. Criteria: ACMG Guidelines, 2015. Collection method: not provided. Allele origin: germline. Inheritance: Autosomal recessive inheritance. Affected: yes.